The following is an entry in ClinVar:

NM_000038.6(APC):c.8366G>T (p.Ser2789Ile)

Gene: APC (APC regulator of Wnt signaling pathway; plus strand). Cytogenetic location: 5q22.2.
Variant type: single nucleotide variant.
Coding change: c.8366G>T on transcript NM_000038.6 (MANE Select); coding-DNA position 8366, G replaced by T.
Protein change: p.Ser2789Ile; replaces serine 2789 with isoleucine.
Molecular consequence: missense variant.
Genome position (GRCh38, 1-based): chr5:112,843,960, G>T. VCF-style: chr5-112843960-G-T. GRCh37 (hg19) VCF-style: chr5-112179657-G-T.
Other names: c.8366G>T, p.Ser2789Ile (NM_001127510.3, NM_001354895.2, NM_001407450.1); c.8312G>T, p.Ser2771Ile (NM_001127511.3); c.8420G>T, p.Ser2807Ile (NM_001354896.2, NM_001407447.1, NM_001407448.1 and 1 more transcripts); c.8396G>T, p.Ser2799Ile (NM_001354897.2); c.8291G>T, p.Ser2764Ile (NM_001354898.2); c.8282G>T, p.Ser2761Ile (NM_001354899.2); c.8243G>T, p.Ser2748Ile (NM_001354900.2); c.8189G>T, p.Ser2730Ile (NM_001354901.2, NM_001407453.1); and 11 more; short protein forms S2698I, S2748I, S2782I, S2807I, S2405I, S2688I, S2730I, S2764I.
Identifiers: ClinVar variation 1763096 (VCV001763096.2), dbSNP rs2150004084, ClinGen allele CA16039488.
Genomic context (GRCh38, chr5:112,843,960, plus strand): 5'-AACACAGTTCACCTAGTGGGACTGTTGCTGCCAGAGTGACTCCTTTTAATTACAACCCAA[G>T]CCCTAGGAAAAGCAGCGCAGATAGCACTTCAGCTCGGCCATCTCAGATCCCAACTCCAGT-3'
Protein context (NP_000029.2, residues 2779-2799): ARVTPFNYNP[Ser2789Ile]PRKSSADSTS

ClinVar aggregate classification (germline): Uncertain significance (1 of 4 stars; one submission).

Conditions:
Hereditary cancer-predisposing syndrome. Also called: Neoplastic Syndromes, Hereditary; Tumor predisposition; Hereditary Cancer Syndrome; Hereditary neoplastic syndrome. Identifiers: Orphanet 140162, MedGen C0027672, MeSH D009386, MONDO:0015356.

Submission:

Ambry Genetics
Classification: Uncertain significance for Hereditary cancer-predisposing syndrome. Last evaluated: 2022-09-27. Review status: criteria provided, single submitter. Criteria: Ambry Variant Classification Scheme 2023. Collection method: clinical testing. Allele origin: germline.
Comment: The p.S2789I variant (also known as c.8366G>T), located in coding exon 15 of the APC gene, results from a G to T substitution at nucleotide position 8366. The serine at codon 2789 is replaced by isoleucine, an amino acid with dissimilar properties. This amino acid position is conserved. In addition, in silico predictors for this gene do not accurately predict pathogenicity. Since supporting evidence is limited at this time, the clinical significance of this alteration remains unclear.